The following is an entry in ClinVar:

NM_176787.5(PIGN):c.1752G>A (p.Leu584=)

Gene: PIGN (phosphatidylinositol glycan anchor biosynthesis class N; minus strand). Cytogenetic location: 18q21.33.
Variant type: single nucleotide variant.
Coding change: c.1752G>A on transcript NM_176787.5 (MANE Select); coding-DNA position 1752, G replaced by A.
Protein change: p.Leu584=; no amino-acid change (leucine 584 retained).
Molecular consequence: synonymous variant.
Genome position (GRCh38, 1-based): chr18:62,106,804, C>T on the plus strand (G>A on the coding strand, the complement: PIGN is on the minus strand). VCF-style: chr18-62106804-C-T. GRCh37 (hg19) VCF-style: chr18-59774037-C-T.
Other names: p.Leu584=; c.1752G>A, p.Leu584= (NM_012327.6).
Identifiers: ClinVar variation 403302 (VCV000403302.23), dbSNP rs9319997, ClinGen allele CA8982187.

ClinVar aggregate classification (germline): Benign. Review status: criteria provided, multiple submitters, no conflicts (2 of 4 stars). 7 submissions from 7 submitters: Benign (7). Last evaluated 2026-02-04.

Conditions:
Inborn genetic diseases. Identifiers: MedGen C0950123, MeSH D030342.
Multiple congenital anomalies-hypotonia-seizures syndrome 1 (MCAHS1). Also called: PIGN-CDG; Congenital disorder of glycosylation due to PIGN deficiency; GLYCOSYLPHOSPHATIDYLINOSITOL BIOSYNTHESIS DEFECT 3. Identifiers: Orphanet 280633, MedGen C3279775, MONDO:0013563, OMIM 614080.

Allele frequency attached by ClinVar (database versions not stated): 1000 Genomes Project 30x 0.09151; 1000 Genomes Project 0.09345; TOPMed 0.15721; gnomAD 0.16826 and 0.17086; gnomAD exomes 0.17332 and 0.22554; ESP Exome Variant Server 0.18416; ExAC 0.21969.
gnomAD v4.1: 351,973 of 1,603,330 alleles (22%); highest among the groups gnomAD compares: Non-Finnish European, 25%; 42,752 homozygotes.

Submissions (7):

Labcorp Genetics (formerly Invitae), Labcorp
Classification: Benign for Multiple congenital anomalies-hypotonia-seizures syndrome 1. Last evaluated: 2026-02-04. Review status: criteria provided, single submitter. Criteria: Invitae Variant Classification Sherloc (09022015). Collection method: clinical testing. Allele origin: germline.

Blueprint Genetics
Classification: Benign. Last evaluated: 2024-11-28. Review status: criteria provided, single submitter. Criteria: ACMG Guidelines, 2015. Collection method: clinical testing. Allele origin: germline.

Mayo Clinic Laboratories, Mayo Clinic
Classification: Benign. Last evaluated: 2021-11-29. Review status: criteria provided, single submitter. Criteria: ACMG Guidelines, 2015. Collection method: clinical testing. Allele origin: germline. Observed: 99 variant alleles.

GeneDx
Classification: Benign. Last evaluated: 2018-07-05. Review status: criteria provided, single submitter. Criteria: GeneDx Variant Classification Process June 2021. Collection method: clinical testing. Allele origin: germline. Affected: yes.

Laboratory for Molecular Medicine, Mass General Brigham Personalized Medicine
Classification: Benign. Last evaluated: 2016-03-29. Review status: criteria provided, single submitter. Criteria: LMM Criteria. Collection method: clinical testing. Allele origin: germline.
Comment: Variant identified in a genome or exome case(s) and assessed due to predicted null impact of the variant or pathogenic assertions in the literature or databases. Disclaimer: This variant has not undergone full assessment. The following are preliminary notes: Frequency

Ambry Genetics
Classification: Benign for Inborn genetic diseases. Last evaluated: 2016-03-19. Review status: criteria provided, single submitter. Criteria: Ambry Variant Classification Scheme 2023. Collection method: clinical testing. Allele origin: germline.

Breakthrough Genomics
Classification: Benign. Review status: criteria provided, single submitter. Criteria: ACMG Guidelines, 2015. Collection method: not provided. Allele origin: germline. Inheritance: Autosomal recessive inheritance. Affected: yes.